The following is an entry in ClinVar:

ClinVar aggregate classification (germline): Uncertain significance (1 of 4 stars; one submission).

Conditions:
Primary ciliary dyskinesia. Also called: Ciliary dyskinesia. Identifiers: Orphanet 244, MedGen C0008780, MONDO:0016575, HP:0012265.

Allele frequency attached by ClinVar (database versions not stated): gnomAD exomes 0.00001; TOPMed 0.00002.
gnomAD v4.1: 4 of 1,578,984 alleles (0.00025%); highest among the groups gnomAD compares: South Asian, 0.0011%; no homozygotes.

Submission:

Labcorp Genetics (formerly Invitae), Labcorp
Classification: Uncertain significance for Primary ciliary dyskinesia. Last evaluated: 2021-02-04. Review status: criteria provided, single submitter. Criteria: Invitae Variant Classification Sherloc (09022015). Collection method: clinical testing. Allele origin: germline.
Comment: This variant has been observed in individual(s) with clinical features of primary ciliary dyskinesia (Invitae). In summary, the available evidence is currently insufficient to determine the role of this variant in disease. Therefore, it has been classified as a Variant of Uncertain Significance. Nucleotide substitutions within the consensus splice site are a relatively common cause of aberrant splicing (PMID: 17576681, 9536098). This variant is not present in population databases (ExAC no frequency). This sequence change falls in intron 22 of the DNAH8 gene. It does not directly change the encoded amino acid sequence of the DNAH8 protein. It affects a nucleotide within the consensus splice site of the intron.

Literature cited by the submitters: PubMed 17576681; PubMed 9536098.

NM_001206927.2(DNAH8):c.3035-3T>C

Gene: DNAH8 (dynein axonemal heavy chain 8; plus strand). Cytogenetic location: 6p21.2.
Variant type: single nucleotide variant.
Coding change: c.3035-3T>C on transcript NM_001206927.2 (MANE Select); 3 bases into the intron before coding-DNA position 3035, T replaced by C.
Molecular consequence: intron variant.
Genome position (GRCh38, 1-based): chr6:38,805,478, T>C. VCF-style: chr6-38805478-T-C. GRCh37 (hg19) VCF-style: chr6-38773254-T-C.
Other names: c.2384-3T>C (NM_001371.4).
Identifiers: ClinVar variation 1369867 (VCV001369867.8), dbSNP rs1771183616, ClinGen allele CA1622408650.